The following is an entry in ClinVar:

ClinVar aggregate classification (germline): Uncertain significance. Review status: criteria provided, multiple submitters, no conflicts (2 of 4 stars). 3 submissions from 3 submitters: Uncertain significance (2). 1 of the submissions does not count toward it. Last evaluated 2024-02-06.

Conditions:
Autosomal dominant nonsyndromic hearing loss 4A. Also called: Deafness, autosomal dominant 4A. Identifiers: Orphanet 90635, MedGen C1833503, MONDO:0010915, OMIM 600652.
MYH14-related disorder. Also called: MYH14-related condition.

Allele frequency attached by ClinVar (database versions not stated): gnomAD below 0.00001 and 0.00003; gnomAD exomes 0.00007; 1000 Genomes Project 30x 0.00062; 1000 Genomes Project 0.00080.
gnomAD v4.1: 67 of 1,587,804 alleles (0.0042%); highest among the groups gnomAD compares: South Asian, 0.056%; no homozygotes.

Submissions (3):

Labcorp Genetics (formerly Invitae), Labcorp
Classification: Uncertain significance. Last evaluated: 2024-02-06. Review status: criteria provided, single submitter. Criteria: Invitae Variant Classification Sherloc (09022015). Collection method: clinical testing. Allele origin: germline.
Comment: This sequence change replaces valine, which is neutral and non-polar, with methionine, which is neutral and non-polar, at codon 4 of the MYH14 protein (p.Val4Met). The frequency data for this variant in the population databases is considered unreliable, as metrics indicate poor data quality at this position in the gnomAD database. This variant has not been reported in the literature in individuals affected with MYH14-related conditions. ClinVar contains an entry for this variant (Variation ID: 894747). Algorithms developed to predict the effect of missense changes on protein structure and function output the following: SIFT: "Not Available"; PolyPhen-2: "Benign"; Align-GVGD: "Not Available". The methionine amino acid residue is found in multiple mammalian species, which suggests that this missense change does not adversely affect protein function. In summary, the available evidence is currently insufficient to determine the role of this variant in disease. Therefore, it has been classified as a Variant of Uncertain Significance.

Illumina Laboratory Services, Illumina
Classification: Uncertain significance for Autosomal dominant nonsyndromic hearing loss 4A. Last evaluated: 2018-01-13. Review status: criteria provided, single submitter. Criteria: ICSL Variant Classification Criteria 13 December 2019. Collection method: clinical testing. Allele origin: germline.

PreventionGenetics, part of Exact Sciences
Classification: Likely benign for MYH14-related condition. Last evaluated: 2024-07-15. Review status: no assertion criteria provided. Collection method: clinical testing. Allele origin: germline. Not counted in ClinVar's aggregate classification.
Comment: This variant is classified as likely benign based on ACMG/AMP sequence variant interpretation guidelines (Richards et al. 2015 PMID: 25741868, with internal and published modifications).

NM_001145809.2(MYH14):c.10G>A (p.Val4Met)

Gene: MYH14 (myosin heavy chain 14; plus strand). Cytogenetic location: 19q13.33.
Variant type: single nucleotide variant.
Coding change: c.10G>A on transcript NM_001145809.2 (MANE Select); coding-DNA position 10, G replaced by A.
Protein change: p.Val4Met; replaces valine 4 with methionine.
Molecular consequence: missense variant.
Genome position (GRCh38, 1-based): chr19:50,210,375, G>A. VCF-style: chr19-50210375-G-A. GRCh37 (hg19) VCF-style: chr19-50713632-G-A.
Other names: c.10G>A (NM_001145809.1); c.10G>A, p.Val4Met (NM_001077186.2, NM_024729.4); short protein forms V4M.
Identifiers: ClinVar variation 894747 (VCV000894747.7), dbSNP rs532458856, ClinGen allele CA9592169.